The following is an entry in ClinVar:

ClinVar aggregate classification (germline): Uncertain significance (1 of 4 stars; one submission).

Allele frequency attached by ClinVar (database versions not stated): ExAC 0.00001; TOPMed 0.00002; gnomAD 0.00003; gnomAD exomes 0.00004.
gnomAD v4.1: 58 of 1,558,526 alleles (0.0037%); highest among the groups gnomAD compares: Non-Finnish European, 0.0046%; no homozygotes.

Submission:

Labcorp Genetics (formerly Invitae), Labcorp
Classification: Uncertain significance. Last evaluated: 2023-01-15. Review status: criteria provided, single submitter. Criteria: Invitae Variant Classification Sherloc (09022015). Collection method: clinical testing. Allele origin: germline.
Comment: In summary, the available evidence is currently insufficient to determine the role of this variant in disease. Therefore, it has been classified as a Variant of Uncertain Significance. Advanced modeling of protein sequence and biophysical properties (such as structural, functional, and spatial information, amino acid conservation, physicochemical variation, residue mobility, and thermodynamic stability) performed at Invitae indicates that this missense variant is not expected to disrupt FBN3 protein function. This variant has not been reported in the literature in individuals affected with FBN3-related conditions. This variant is present in population databases (rs762795790, gnomAD 0.004%). This sequence change replaces aspartic acid, which is acidic and polar, with asparagine, which is neutral and polar, at codon 768 of the FBN3 protein (p.Asp768Asn).

NM_032447.5(FBN3):c.2302G>A (p.Asp768Asn)

Gene: FBN3 (fibrillin 3; minus strand). Cytogenetic location: 19p13.2.
Variant type: single nucleotide variant.
Coding change: c.2302G>A on transcript NM_032447.5 (MANE Select); coding-DNA position 2302, G replaced by A.
Protein change: p.Asp768Asn; replaces aspartic acid 768 with asparagine.
Molecular consequence: missense variant.
Genome position (GRCh38, 1-based): chr19:8,126,827, C>T on the plus strand (G>A on the coding strand, the complement: FBN3 is on the minus strand). VCF-style: chr19-8126827-C-T. GRCh37 (hg19) VCF-style: chr19-8191711-C-T.
Other names: c.2302G>A, p.Asp768Asn (NM_001321431.2); short protein forms D768N.
Identifiers: ClinVar variation 2969641 (VCV002969641.3), dbSNP rs762795790, ClinGen allele CA9152937.